The following is an entry in ClinVar:

NM_175875.5(SIX5):c.907T>C (p.Ser303Pro)

Genes: SIX5 (SIX homeobox 5; minus strand), LOC107075317 (origin of replication in DMPK trinucleotide repeat region; plus strand). Cytogenetic location: 19q13.32.
Variant type: single nucleotide variant.
Coding change: c.907T>C on transcript NM_175875.5 (MANE Select); coding-DNA position 907, T replaced by C.
Protein change: p.Ser303Pro; replaces serine 303 with proline.
Molecular consequence: missense variant.
Genome position (GRCh38, 1-based): chr19:45,767,052, A>G on the plus strand (T>C on the coding strand, the complement: SIX5 is on the minus strand). VCF-style: chr19-45767052-A-G. GRCh37 (hg19) VCF-style: chr19-46270310-A-G.
Other names: short protein forms S303P.
Identifiers: ClinVar variation 4806886 (VCV004806886.1).

ClinVar aggregate classification (germline): Uncertain significance (1 of 4 stars; one submission).

Submission:

Labcorp Genetics (formerly Invitae), Labcorp
Classification: Uncertain significance. Last evaluated: 2026-01-14. Review status: criteria provided, single submitter. Criteria: Invitae Variant Classification Sherloc (09022015). Collection method: clinical testing. Allele origin: germline.
Comment: This sequence change replaces serine, which is neutral and polar, with proline, which is neutral and non-polar, at codon 303 of the SIX5 protein (p.Ser303Pro). This variant is not present in population databases (gnomAD no frequency). This variant has not been reported in the literature in individuals affected with SIX5-related conditions. Invitae Evidence Modeling of protein sequence and biophysical properties (such as structural, functional, and spatial information, amino acid conservation, physicochemical variation, residue mobility, and thermodynamic stability) indicates that this missense variant is not expected to disrupt SIX5 protein function with a negative predictive value of 80%. In summary, the available evidence is currently insufficient to determine the role of this variant in disease. Therefore, it has been classified as a Variant of Uncertain Significance.